The following is an entry in ClinVar:

NM_001853.4(COL9A3):c.1429A>T (p.Lys477Ter)

Genes: COL9A3 (collagen type IX alpha 3 chain; plus strand), LOC126863084 (MED14-independent group 3 enhancer GRCh37_chr20:61467141-61468340; plus strand). Cytogenetic location: 20q13.33.
Variant type: single nucleotide variant.
Coding change: c.1429A>T on transcript NM_001853.4 (MANE Select); coding-DNA position 1429, A replaced by T.
Protein change: p.Lys477Ter; replaces lysine 477 with a stop codon.
Molecular consequence: nonsense.
Genome position (GRCh38, 1-based): chr20:62,836,214, A>T. VCF-style: chr20-62836214-A-T. GRCh37 (hg19) VCF-style: chr20-61467566-A-T.
Other names: short protein forms K477*.
Identifiers: ClinVar variation 3691420 (VCV003691420.2).

ClinVar aggregate classification (germline): Pathogenic (1 of 4 stars; one submission).

Submission:

Labcorp Genetics (formerly Invitae), Labcorp
Classification: Pathogenic. Last evaluated: 2024-05-01. Review status: criteria provided, single submitter. Criteria: Invitae Variant Classification Sherloc (09022015). Collection method: clinical testing. Allele origin: germline.
Comment: This sequence change creates a premature translational stop signal (p.Lys477*) in the COL9A3 gene. It is expected to result in an absent or disrupted protein product. Loss-of-function variants in COL9A3 are known to be pathogenic (PMID: 24273071, 31090205). This variant is not present in population databases (gnomAD no frequency). This variant has not been reported in the literature in individuals affected with COL9A3-related conditions. Algorithms developed to predict the effect of sequence changes on RNA splicing suggest that this variant may disrupt the consensus splice site. For these reasons, this variant has been classified as Pathogenic.

Literature cited by the submitters: PubMed 24273071; PubMed 31090205.